The following is an entry in ClinVar:

NM_000428.3(LTBP2):c.430C>A (p.Arg144Ser)

Gene: LTBP2 (latent transforming growth factor beta binding protein 2; minus strand). Cytogenetic location: 14q24.3.
Variant type: single nucleotide variant.
Coding change: c.430C>A on transcript NM_000428.3 (MANE Select); coding-DNA position 430, C replaced by A.
Protein change: p.Arg144Ser; replaces arginine 144 with serine.
Molecular consequence: missense variant.
Genome position (GRCh38, 1-based): chr14:74,611,515, G>T on the plus strand (C>A on the coding strand, the complement: LTBP2 is on the minus strand). VCF-style: chr14-74611515-G-T. GRCh37 (hg19) VCF-style: chr14-75078218-G-T.
Other names: short protein forms R144S.
Identifiers: ClinVar variation 1512465 (VCV001512465.8), dbSNP rs760329330, ClinGen allele CA7270205.

ClinVar aggregate classification (germline): Uncertain significance (1 of 4 stars; one submission).

Allele frequency attached by ClinVar (database versions not stated): ExAC 0.00001.
gnomAD v4.1: 6 of 1,537,682 alleles (0.00039%); highest among the groups gnomAD compares: Admixed American, 0.0059%; no homozygotes.

Submission:

Labcorp Genetics (formerly Invitae), Labcorp
Classification: Uncertain significance. Last evaluated: 2021-07-13. Review status: criteria provided, single submitter. Criteria: Invitae Variant Classification Sherloc (09022015). Collection method: clinical testing. Allele origin: germline.
Comment: This sequence change replaces arginine with serine at codon 144 of the LTBP2 protein (p.Arg144Ser). The arginine residue is highly conserved and there is a moderate physicochemical difference between arginine and serine. This variant is present in population databases (rs760329330, ExAC 0.009%). This variant has not been reported in the literature in individuals affected with LTBP2-related conditions. Algorithms developed to predict the effect of missense changes on protein structure and function are either unavailable or do not agree on the potential impact of this missense change (SIFT: "Deleterious"; PolyPhen-2: "Benign"; Align-GVGD: "Class C65"). Algorithms developed to predict the effect of sequence changes on RNA splicing suggest that this variant may create or strengthen a splice site. In summary, the available evidence is currently insufficient to determine the role of this variant in disease. Therefore, it has been classified as a Variant of Uncertain Significance.